The following is an entry in ClinVar:

NC_000017.11:g.(?_43044336)_(43125483_?)del

Gene: BRCA1 (BRCA1 DNA repair associated; minus strand). Cytogenetic location: 17q21.31.
Variant type: Deletion.
Identifiers: ClinVar variation 830640 (VCV000830640.1).

ClinVar aggregate classification (germline): Pathogenic (1 of 4 stars; one submission).

Conditions:
Hereditary breast ovarian cancer syndrome. Also called: Hereditary breast and/or ovarian cancer syndrome; Hereditary breast and ovarian cancer syndrome (HBOC); Breast and ovarian cancer; Hereditary breast and ovarian cancer; BRCA1- and BRCA2-Associated Hereditary Breast and Ovarian Cancer; Hereditary breast and ovarian cancer syndrome. Identifiers: Orphanet 145, MedGen C0677776, MeSH D061325, MONDO:0003582. Disease mechanism: loss of function.

Submission:

Labcorp Genetics (formerly Invitae), Labcorp
Classification: Pathogenic for Hereditary breast and ovarian cancer syndrome. Last evaluated: 2019-12-08. Review status: criteria provided, single submitter. Criteria: Invitae Variant Classification Sherloc (09022015). Collection method: clinical testing. Allele origin: germline.
Comment: A gross deletion of the genomic region encompassing the full coding sequence of the BRCA1 gene has been identified. The boundaries of this event are unknown as the deletion extends beyond the assayed region for this gene and therefore may encompass additional genes. Deletions of the entire BRCA1 gene have been reported to segregate in individuals affected with breast or ovarian cancers in several families (PMID: 24686251, 16793929, 21281505). This change is also described as a deletion of exons 1-24 in the literature. Loss-of-function variants in BRCA1 are known to be pathogenic (PMID: 20104584). For these reasons, this variant has been classified as Pathogenic.

Literature cited by the submitters: PubMed 16793929; PubMed 24686251; PubMed 21281505.